The following is an entry in ClinVar:

ClinVar aggregate classification (germline): Likely pathogenic (1 of 4 stars; one submission).

Conditions:
Hereditary cancer-predisposing syndrome. Also called: Neoplastic Syndromes, Hereditary; Tumor predisposition; Hereditary Cancer Syndrome; Hereditary neoplastic syndrome. Identifiers: Orphanet 140162, MedGen C0027672, MeSH D009386, MONDO:0015356.

Submission:

Ambry Genetics
Classification: Likely pathogenic for Hereditary cancer-predisposing syndrome. Last evaluated: 2023-07-20. Review status: criteria provided, single submitter. Criteria: Ambry Variant Classification Scheme 2023. Collection method: clinical testing. Allele origin: germline.
Comment: The c.861+2T>C intronic variant results from a T to C substitution two nucleotides after coding exon 8 in the RB1 gene. This alteration has been observed in at least one individual with a personal and/or family history that is consistent with RB1-related disease (Ambry internal data). This nucleotide position is highly conserved in available vertebrate species. In silico splice site analysis predicts that this alteration will weaken the native splice donor site and will result in the creation or strengthening of a novel splice donor site; however, direct evidence is insufficient at this time (Ambry internal data). This variant is considered to be rare based on population cohorts in the Genome Aggregation Database (gnomAD). Alterations that disrupt the canonical splice site are expected to cause aberrant splicing, resulting in an abnormal protein or a transcript that is subject to nonsense-mediated mRNA decay. As such, this alteration is classified as likely pathogenic

NM_000321.3(RB1):c.861+2T>C

Gene: RB1 (RB transcriptional corepressor 1; plus strand). Cytogenetic location: 13q14.2.
Variant type: single nucleotide variant.
Coding change: c.861+2T>C on transcript NM_000321.3 (MANE Select); the canonical splice donor site of the intron after coding-DNA position 861, T replaced by C.
Molecular consequence: splice donor variant.
Genome position (GRCh38, 1-based): chr13:48,362,959, T>C. VCF-style: chr13-48362959-T-C. GRCh37 (hg19) VCF-style: chr13-48937095-T-C.
Other names: c.861+2T>C (NM_001407165.1, NM_001407166.1).
Identifiers: ClinVar variation 1764040 (VCV001764040.3), dbSNP rs2542182475, ClinGen allele CA388159732.
Genomic context (GRCh38, chr13:48,362,959, plus strand): 5'-AAAATGATACAAGAATTATTGAAGTTCTCTGTAAAGAACATGAATGTAATATAGATGAGG[T>C]AATTTAACTTCATGATTTCTTTAAAACAGTTAAAGTAGATTTAGATGTAAGTTCTCCCTA-3'